The following is an entry in ClinVar:

ClinVar aggregate classification (germline): Pathogenic/Likely pathogenic. Review status: criteria provided, multiple submitters, no conflicts (2 of 4 stars). 5 submissions from 5 submitters: Pathogenic (2); Likely pathogenic (2). 1 of the submissions does not count toward it. Last evaluated 2025-10-12.

Conditions:
Sialuria. Also called: Sialic Acid Storage Disease; SIALURIA, FRENCH TYPE. Identifiers: Orphanet 3166, MedGen C0342853, MONDO:0010028, OMIM 269921.
GNE myopathy (NM). Also called: MYOPATHY, DISTAL, WITH OR WITHOUT RIMMED VACUOLES; IBM 2; Inclusion body myopathy autosomal recessive; Inclusion body myopathy quadriceps sparing; NONAKA DISTAL MYOPATHY; INCLUSION BODY MYOPATHY, HEREDITARY, AUTOSOMAL RECESSIVE. Identifiers: Orphanet 602, MedGen C1853926, MONDO:0011603, OMIM 605820.
Thrombocytopenia 12 with or without myopathy (THC12). Identifiers: MedGen C5935593, MONDO:0958325, OMIM 620757.

Submissions (5):

Labcorp Genetics (formerly Invitae), Labcorp
Classification: Pathogenic for Sialuria; GNE myopathy. Last evaluated: 2025-10-12. Review status: criteria provided, single submitter. Criteria: Invitae Variant Classification Sherloc (09022015). Collection method: clinical testing. Allele origin: germline.
Comment: This sequence change creates a premature translational stop signal (p.Cys594Valfs*80) in the GNE gene. While this is not anticipated to result in nonsense mediated decay, it is expected to disrupt the last 160 amino acid(s) of the GNE protein. This variant is not present in population databases (gnomAD no frequency). This variant has not been reported in the literature in individuals affected with GNE-related conditions. ClinVar contains an entry for this variant (Variation ID: 290423). This variant disrupts a region of the GNE protein in which other variant(s) (p.Cys612Valfs*62) have been determined to be pathogenic (internal data). This suggests that this is a clinically significant region of the protein, and that variants that disrupt it are likely to be disease-causing. For these reasons, this variant has been classified as Pathogenic.

Natera, Inc.
Classification: Likely pathogenic for Nonaka myopathy. Last evaluated: 2024-07-01. Review status: criteria provided, single submitter. Criteria: Natera Variant Classification Schema (03/2026). Collection method: clinical testing. Allele origin: germline.
Comment: The c.1779del variant in GNE is a frameshift variant predicted to shift the reading frame beginning at codon 594 and leads to a stop codon 80 codons downstream. This variant is expected to result in nonsense mediated decay, truncation, or a dysfunctional protein product. This variant is rare in the general population with a frequency below the threshold expected for the associated phenotype(s). Given the available evidence, this variant is classified as Likely Pathogenic.

Fulgent Genetics
Classification: Likely pathogenic for Sialuria; GNE myopathy; Thrombocytopenia 12 with or without myopathy. Last evaluated: 2024-01-29. Review status: criteria provided, single submitter. Criteria: ACMG Guidelines, 2015. Collection method: clinical testing. Allele origin: germline.

Eurofins Ntd Llc (ga)
Classification: Pathogenic. Last evaluated: 2016-09-06. Review status: criteria provided, single submitter. Criteria: EGL Classification Definitions 2015. Collection method: clinical testing. Allele origin: germline. Observed: 1 variant allele, 1 heterozygote.

Counsyl
Classification: Likely pathogenic for GNE myopathy. Last evaluated: 2016-01-18. Review status: no assertion criteria provided. Collection method: clinical testing. Allele origin: unknown. Not counted in ClinVar's aggregate classification.

NM_005476.7(GNE):c.1686del (p.Cys563fs)

Gene: GNE (glucosamine (UDP-N-acetyl)-2-epimerase/N-acetylmannosamine kinase; minus strand). Cytogenetic location: 9p13.3.
Variant type: Deletion.
Coding change: c.1686del on transcript NM_005476.7 (MANE Select); coding-DNA position 1686, one base deleted (C; older notation c.1686delC).
Protein change: p.Cys563fs; shifts the reading frame from cysteine 563.
Molecular consequence: frameshift variant.
Genome position (GRCh38, 1-based): chr9:36,219,968, G deleted on the plus strand (C on the coding strand, the reverse complement: GNE is on the minus strand). VCF-style (leftmost placement, unchanged base first): chr9-36219967-AG-A. GRCh37 (hg19) VCF-style: chr9-36219964-AG-A.
Other names: c.1779del (NM_001128227.2); c.1779del, p.Cys594fs (NM_001128227.3); c.1464del, p.Cys489fs (NM_001190383.3); c.1356del, p.Cys453fs (NM_001190384.3); c.1509del, p.Cys504fs (NM_001190388.2, NM_001374798.1); c.1533del, p.Cys512fs (NM_001374797.1); short protein forms C453fs, C563fs, C594fs, C489fs, C512fs, C504fs.
Identifiers: ClinVar variation 290423 (VCV000290423.16), dbSNP rs886044449, ClinGen allele CA10606772.